The following is an entry in ClinVar:

NM_000521.4(HEXB):c.1627G>A (p.Ala543Thr)

Gene: HEXB (hexosaminidase subunit beta; plus strand). Cytogenetic location: 5q13.3.
Variant type: single nucleotide variant.
Coding change: c.1627G>A on transcript NM_000521.4 (MANE Select); coding-DNA position 1627, G replaced by A.
Protein change: p.Ala543Thr; replaces alanine 543 with threonine.
Molecular consequence: missense variant.
Genome position (GRCh38, 1-based): chr5:74,721,131, G>A. VCF-style: chr5-74721131-G-A. GRCh37 (hg19) VCF-style: chr5-74016956-G-A.
Other names: c.952G>A, p.Ala318Thr (NM_001292004.2); short protein forms A543T, A318T.
Identifiers: ClinVar variation 3881 (VCV000003881.30), dbSNP rs121907984, ClinGen allele CA116489.

ClinVar aggregate classification (germline): Likely benign; other. Review status: criteria provided, multiple submitters, no conflicts (2 of 4 stars). 9 submissions from 9 submitters: Likely benign (6). 2 of the submissions do not count toward it. Last evaluated 2026-08-01.

Conditions:
HEXOSAMINIDASE B, HEAT-LABILE POLYMORPHISM.
Sandhoff disease. Also called: GM2-GANGLIOSIDOSIS, TYPE II; HEXOSAMINIDASES A AND B DEFICIENCY; Beta-hexosaminidase-beta-subunit deficiency; GM2 gangliosidosis, type 2; Total hexosaminidase deficiency; Sandhoff-Jatzkewitz-Pilz disease. Identifiers: Orphanet 796, MedGen C0036161, MONDO:0010006, OMIM 268800.

Allele frequency attached by ClinVar (database versions not stated): gnomAD 0.00012 and 0.00032; TOPMed 0.00011; ExAC 0.00095; 1000 Genomes Project 30x 0.00047; gnomAD exomes 0.00050 and 0.00086; 1000 Genomes Project 0.00060.
gnomAD v4.1: 774 of 1,612,544 alleles (0.048%); highest among the groups gnomAD compares: South Asian, 0.61%; 13 homozygotes.

Submissions (9):

CeGaT Center for Human Genetics Tuebingen
Classification: Likely benign. Last evaluated: 2026-08-01. Review status: criteria provided, single submitter. Criteria: CeGaT Center For Human Genetics Tuebingen Variant Classification Criteria Version 2. Collection method: clinical testing. Allele origin: germline. Affected: yes. Observed: 2 variant alleles.
Comment: HEXB: BS2

Labcorp Genetics (formerly Invitae), Labcorp
Classification: Likely benign for Sandhoff disease. Last evaluated: 2026-01-26. Review status: criteria provided, single submitter. Criteria: Invitae Variant Classification Sherloc (09022015). Collection method: clinical testing. Allele origin: germline.

Mendelics
Classification: Likely benign for Sandhoff disease. Last evaluated: 2019-05-28. Review status: criteria provided, single submitter. Criteria: Mendelics Assertion Criteria 2017. Collection method: clinical testing. Allele origin: unknown.

Institute of Human Genetics, University of Leipzig Medical Center
Classification: Likely benign for Sandhoff disease. Last evaluated: 2019-01-01. Review status: criteria provided, single submitter. Criteria: ACMG Guidelines, 2015. Collection method: clinical testing. Allele origin: unknown. Affected: yes.

Illumina Laboratory Services, Illumina
Classification: Likely benign for Sandhoff disease. Last evaluated: 2018-01-18. Review status: criteria provided, single submitter. Criteria: ICSL Variant Classification Criteria 13 December 2019. Collection method: clinical testing. Allele origin: germline.
Comment: This variant was observed as part of a predisposition screen in an ostensibly healthy population. A literature search was performed for the gene, cDNA change, and amino acid change (where applicable). Publications were found based on this search. The evidence from the literature, in combination with allele frequency data from public databases where available, was sufficient to determine this variant is unlikely to cause disease. Therefore, this variant is classified as likely benign.

Women's Health and Genetics/Laboratory Corporation of America, LabCorp
Classification: Likely benign. Last evaluated: 2016-10-31. Review status: criteria provided, single submitter. Criteria: LabCorp Variant Classification Summary - May 2015. Collection method: clinical testing. Allele origin: germline.
Comment: Variant summary: The HEXB c.1627G>A (p.Ala543Thr) variant causes a missense change involving a conserved nucleotide with 5/5 in silico tools predict a damaging outcome. The variant of interest was observed in the large, broad control population, ExAC, with an allele frequency of 115/120804 (1/1052, 1 homozygote), predominantly observed in the South Asian cohort, 92/16490 (1/179, 1 homozygote), which exceeds the estimated maximal expected allele frequency for a pathogenic HEXB variant of 1/676. Therefore, suggesting the variant is a common polymorphism found in population(s) of South Asian origin. The variant of interest has been reported in multiple affected and healthy homozygous individuals via publications. Functional studies have shown that the variant of interest is a heat labile allele, meaning that it leads to reduction in enzyme activity and mightresult in a false non-TSD or non-SD diagnosis. Likewise, a doubly heterozygous person, for TSD and for HLB, could be misdiagnosed as a normal homozygote. In addition, multiple reputable clinical diagnostic laboratories/databases cite the variant as "benign," along with the reporting cautionary awareness for the heat labile aspect. Therefore, to indicate the potential for the variant to cause false negative results, a classification of "Probable Normal Variant/Likely Benign," has been assigned to this variant.

Eurofins Ntd Llc (ga)
Classification: other. Last evaluated: 2012-12-18. Review status: criteria provided, single submitter. Criteria: EGL Classification Definitions 2015. Collection method: clinical testing. Allele origin: germline. Observed: 3 variant alleles, 3 heterozygotes.

Natera, Inc.
Classification: Benign for Sandhoff disease. Last evaluated: 2020-01-09. Review status: no assertion criteria provided. Collection method: clinical testing. Allele origin: germline. Not counted in ClinVar's aggregate classification.

OMIM
Classification: Benign for HEXOSAMINIDASE B, HEAT-LABILE POLYMORPHISM. Last evaluated: 1997-01-01. Review status: no assertion criteria provided. Collection method: literature only. Allele origin: germline. Not counted in ClinVar's aggregate classification.

Literature cited by the submitters: PubMed 9401004 (cited by 3 submitters); PubMed 16169011 (cited by Illumina Laboratory Services, Illumina); PubMed 12706724 (cited by Illumina Laboratory Services, Illumina); PubMed 8593535 (cited by Illumina Laboratory Services, Illumina and Women's Health and Genetics/Laboratory Corporation of America, LabCorp); PubMed 24082139 (cited by Illumina Laboratory Services, Illumina); PubMed 2139865 (cited by OMIM); PubMed 3156493 (cited by OMIM).